The following is an entry in ClinVar:

ClinVar aggregate classification (germline): Benign. Review status: criteria provided, single submitter (1 of 4 stars). 2 submissions from 2 submitters: Benign (1). 1 of the submissions does not count toward it. Last evaluated 2025-05-01.

Conditions:
SMURF2-related disorder. Also called: SMURF2-related condition.

Allele frequency attached by ClinVar (database versions not stated): 1000 Genomes Project 0.01178; 1000 Genomes Project 30x 0.01187; TOPMed 0.01516; gnomAD 0.01597; ExAC 0.01895; ESP Exome Variant Server 0.01968.
gnomAD v4.1: 36,048 of 1,609,394 alleles (2.2%); highest among the groups gnomAD compares: Non-Finnish European, 2.6%; 482 homozygotes.

Submissions (22):

CeGaT Center for Human Genetics Tuebingen
Classification: Benign. Last evaluated: 2025-05-01. Review status: criteria provided, single submitter. Criteria: CeGaT Center For Human Genetics Tuebingen Variant Classification Criteria Version 2. Collection method: clinical testing. Allele origin: germline. Affected: yes. Observed: 1 variant allele.
Comment: SMURF2: BS1, BS2

PreventionGenetics, part of Exact Sciences
Classification: Benign for SMURF2-related condition. Last evaluated: 2019-10-14. Review status: no assertion criteria provided. Collection method: clinical testing. Allele origin: germline. Not counted in ClinVar's aggregate classification.
Comment: This variant is classified as benign based on ACMG/AMP sequence variant interpretation guidelines (Richards et al. 2015 PMID: 25741868, with internal and published modifications).

Dr. Peter K. Rogan Lab, Western University
No classification provided (evidence only). Condition: Clear cell carcinoma of kidney. Review status: no classification provided. Collection method: in vitro. Allele origin: not applicable. Functional consequence: retained intron. Not counted in ClinVar's aggregate classification.

Dr. Peter K. Rogan Lab, Western University
No classification provided (evidence only). Condition: Clear cell carcinoma of kidney. Review status: no classification provided. Collection method: in vitro. Allele origin: not applicable. Functional consequence: retained intron. Not counted in ClinVar's aggregate classification.

Dr. Peter K. Rogan Lab, Western University
No classification provided (evidence only). Condition: Clear cell carcinoma of kidney. Review status: no classification provided. Collection method: in vitro. Allele origin: not applicable. Functional consequence: retained intron. Not counted in ClinVar's aggregate classification.

Dr. Peter K. Rogan Lab, Western University
No classification provided (evidence only). Condition: Melanoma. Review status: no classification provided. Collection method: in vitro. Allele origin: not applicable. Functional consequence: retained intron. Not counted in ClinVar's aggregate classification.

Dr. Peter K. Rogan Lab, Western University
No classification provided (evidence only). Condition: Acute myeloid leukemia. Review status: no classification provided. Collection method: in vitro. Allele origin: not applicable. Functional consequence: retained intron. Not counted in ClinVar's aggregate classification.

Dr. Peter K. Rogan Lab, Western University
No classification provided (evidence only). Condition: Acute myeloid leukemia. Review status: no classification provided. Collection method: in vitro. Allele origin: not applicable. Functional consequence: retained intron. Not counted in ClinVar's aggregate classification.

Dr. Peter K. Rogan Lab, Western University
No classification provided (evidence only). Condition: Acute myeloid leukemia. Review status: no classification provided. Collection method: in vitro. Allele origin: not applicable. Functional consequence: retained intron. Not counted in ClinVar's aggregate classification.

Dr. Peter K. Rogan Lab, Western University
No classification provided (evidence only). Condition: Colon adenocarcinoma. Review status: no classification provided. Collection method: in vitro. Allele origin: not applicable. Functional consequence: retained intron. Not counted in ClinVar's aggregate classification.

Dr. Peter K. Rogan Lab, Western University
No classification provided (evidence only). Condition: Colon adenocarcinoma. Review status: no classification provided. Collection method: in vitro. Allele origin: not applicable. Functional consequence: retained intron. Not counted in ClinVar's aggregate classification.

Dr. Peter K. Rogan Lab, Western University
No classification provided (evidence only). Condition: Colorectal cancer. Review status: no classification provided. Collection method: in vitro. Allele origin: not applicable. Functional consequence: retained intron. Not counted in ClinVar's aggregate classification.

Dr. Peter K. Rogan Lab, Western University
No classification provided (evidence only). Condition: Uterine corpus endometrial carcinoma. Review status: no classification provided. Collection method: in vitro. Allele origin: not applicable. Functional consequence: retained intron. Not counted in ClinVar's aggregate classification.

Dr. Peter K. Rogan Lab, Western University
No classification provided (evidence only). Condition: Cervical cancer. Review status: no classification provided. Collection method: in vitro. Allele origin: not applicable. Functional consequence: retained intron. Not counted in ClinVar's aggregate classification.

Dr. Peter K. Rogan Lab, Western University
No classification provided (evidence only). Condition: Cervical cancer. Review status: no classification provided. Collection method: in vitro. Allele origin: not applicable. Functional consequence: retained intron. Not counted in ClinVar's aggregate classification.

Dr. Peter K. Rogan Lab, Western University
No classification provided (evidence only). Condition: Sarcoma. Review status: no classification provided. Collection method: in vitro. Allele origin: not applicable. Functional consequence: retained intron. Not counted in ClinVar's aggregate classification.

Dr. Peter K. Rogan Lab, Western University
No classification provided (evidence only). Condition: Sarcoma. Review status: no classification provided. Collection method: in vitro. Allele origin: not applicable. Functional consequence: retained intron. Not counted in ClinVar's aggregate classification.

Dr. Peter K. Rogan Lab, Western University
No classification provided (evidence only). Condition: Sarcoma. Review status: no classification provided. Collection method: in vitro. Allele origin: not applicable. Functional consequence: retained intron. Not counted in ClinVar's aggregate classification.

Dr. Peter K. Rogan Lab, Western University
No classification provided (evidence only). Condition: Hepatocellular carcinoma. Review status: no classification provided. Collection method: in vitro. Allele origin: not applicable. Functional consequence: retained intron. Not counted in ClinVar's aggregate classification.

Dr. Peter K. Rogan Lab, Western University
No classification provided (evidence only). Condition: Nonpapillary renal cell carcinoma. Review status: no classification provided. Collection method: in vitro. Allele origin: not applicable. Functional consequence: retained intron. Not counted in ClinVar's aggregate classification.

Dr. Peter K. Rogan Lab, Western University
No classification provided (evidence only). Condition: Malignant tumor of esophagus. Review status: no classification provided. Collection method: in vitro. Allele origin: not applicable. Functional consequence: retained intron. Not counted in ClinVar's aggregate classification.

Dr. Peter K. Rogan Lab, Western University
No classification provided (evidence only). Condition: Malignant tumor of esophagus. Review status: no classification provided. Collection method: in vitro. Allele origin: not applicable. Functional consequence: retained intron. Not counted in ClinVar's aggregate classification.

NM_022739.4(SMURF2):c.314A>G (p.Asn105Ser)

Gene: SMURF2 (SMAD specific E3 ubiquitin protein ligase 2; minus strand). Cytogenetic location: 17q23.3.
Variant type: single nucleotide variant.
Coding change: c.314A>G on transcript NM_022739.4 (MANE Select); coding-DNA position 314, A replaced by G.
Protein change: p.Asn105Ser; replaces asparagine 105 with serine.
Molecular consequence: missense variant.
Genome position (GRCh38, 1-based): chr17:64,593,460, T>C on the plus strand (A>G on the coding strand, the complement: SMURF2 is on the minus strand). VCF-style: chr17-64593460-T-C. GRCh37 (hg19) VCF-style: chr17-62589578-T-C.
Other names: NC_000017.10:g.62589578T>C; short protein forms N105S.
Identifiers: ClinVar variation 3055322 (VCV003055322.13), dbSNP rs80215473, ClinGen allele CA8715196.
Genomic context (GRCh38, chr17:64,593,460, plus strand): 5'-TATATGTTTTTTAATTGGAAAAGCACTCGTATCTACTCACAACCAGTGTCTTTGAGGCGG[T>C]TGATGGCATTGGAAAGAAGACGAACACAACCGAGAAATCCAGCACCTTGTTTCTTATGGA-3'
Protein context (NP_073576.1, residues 95-115): GCVRLLSNAI[Asn105Ser]RLKDTGYQRL